The following is an entry in ClinVar:

NM_000264.5(PTCH1):c.58T>A (p.Cys20Ser)

Genes: PTCH1 (patched 1; minus strand), LOC130002133 (ATAC-STARR-seq lymphoblastoid silent region 20071; plus strand). Cytogenetic location: 9q22.32.
Variant type: single nucleotide variant.
Coding change: c.58T>A on transcript NM_000264.5 (MANE Select); coding-DNA position 58, T replaced by A.
Protein change: p.Cys20Ser; replaces cysteine 20 with serine.
Molecular consequence: missense variant. On other transcripts: non-coding transcript variant (1), intron variant (3).
Genome position (GRCh38, 1-based): chr9:95,508,304, A>T on the plus strand (T>A on the coding strand, the complement: PTCH1 is on the minus strand). VCF-style: chr9-95508304-A-T. GRCh37 (hg19) VCF-style: chr9-98270586-A-T.
Other names: c.58T>A, p.Cys20Ser (NM_001354918.2); c.199-1705T>A (NM_001083603.3); c.4-1705T>A (NM_001083602.3, NM_001354919.2); short protein forms C20S.
Identifiers: ClinVar variation 1750398 (VCV001750398.8), dbSNP rs1843905982, ClinGen allele CA374121502.
Genomic context (GRCh38, chr9:95,508,304, plus strand): 5'-GCAGCCCCCCCGTCCGTCTGCGCCTCCCGCCTCCAGCCGGCCGTCCCGGGGCACCGATAC[A>T]GCCGCTGCCGCCGCCGCCGCGGTCCTGGGGCTCGGCGGCGTTACCAGCCGAGGCCATGTT-3'
Protein context (NP_000255.2, residues 10-30): PQDRGGGGSG[Cys20Ser]IGAPGRPAGG

ClinVar aggregate classification (germline): Uncertain significance. Review status: criteria provided, multiple submitters, no conflicts (2 of 4 stars). 2 submissions from 2 submitters: Uncertain significance (2). Last evaluated 2024-06-27.

Conditions:
Gorlin syndrome. Also called: Nevoid Basal Cell Carcinoma Syndrome; Basal cell nevus syndrome. Identifiers: Orphanet 377, MedGen C0004779, MONDO:0007187.
Hereditary cancer-predisposing syndrome. Also called: Neoplastic Syndromes, Hereditary; Tumor predisposition; Hereditary neoplastic syndrome; Hereditary Cancer Syndrome. Identifiers: Orphanet 140162, MedGen C0027672, MeSH D009386, MONDO:0015356.

Allele frequency attached by ClinVar (database versions not stated): gnomAD exomes below 0.00001; TOPMed below 0.00001.
gnomAD v4.1: 2 of 1,420,682 alleles (0.00014%); highest among the groups gnomAD compares: Non-Finnish European, 0.000091%; no homozygotes.

Submissions (2):

Ambry Genetics
Classification: Uncertain significance for Hereditary cancer-predisposing syndrome. Last evaluated: 2024-06-27. Review status: criteria provided, single submitter. Criteria: Ambry Variant Classification Scheme 2023. Collection method: clinical testing. Allele origin: germline.
Comment: The p.C20S variant (also known as c.58T>A), located in coding exon 1 of the PTCH1 gene, results from a T to A substitution at nucleotide position 58. The cysteine at codon 20 is replaced by serine, an amino acid with dissimilar properties. This amino acid position is well conserved in available vertebrate species. In addition, this alteration is predicted to be tolerated by in silico analysis. Based on the available evidence, the clinical significance of this variant remains unclear.

Labcorp Genetics (formerly Invitae), Labcorp
Classification: Uncertain significance for Gorlin syndrome. Last evaluated: 2022-04-30. Review status: criteria provided, single submitter. Criteria: Invitae Variant Classification Sherloc (09022015). Collection method: clinical testing. Allele origin: germline.
Comment: In summary, the available evidence is currently insufficient to determine the role of this variant in disease. Therefore, it has been classified as a Variant of Uncertain Significance. Advanced modeling of protein sequence and biophysical properties (such as structural, functional, and spatial information, amino acid conservation, physicochemical variation, residue mobility, and thermodynamic stability) performed at Invitae indicates that this missense variant is not expected to disrupt PTCH1 protein function. This variant has not been reported in the literature in individuals affected with PTCH1-related conditions. This variant is not present in population databases (gnomAD no frequency). This sequence change replaces cysteine, which is neutral and slightly polar, with serine, which is neutral and polar, at codon 20 of the PTCH1 protein (p.Cys20Ser).